The following is an entry in ClinVar:

ClinVar aggregate classification (germline): Uncertain significance. Review status: criteria provided, multiple submitters, no conflicts (2 of 4 stars). 3 submissions from 3 submitters: Uncertain significance (3). Last evaluated 2026-01-04.

Conditions:
Multiple endocrine neoplasia, type 1 (MEN1). Also called: MEN I; WERMER SYNDROME; Endocrine adenomatosis multiple; MEN 1; MEA I. Identifiers: Orphanet 652, MedGen C0025267, MeSH D018761, MONDO:0007540, OMIM 131100.
Hereditary cancer-predisposing syndrome. Also called: Hereditary Cancer Syndrome; Neoplastic Syndromes, Hereditary; Hereditary neoplastic syndrome; Tumor predisposition. Identifiers: Orphanet 140162, MedGen C0027672, MeSH D009386, MONDO:0015356.

gnomAD v4.1: 2 of 1,389,540 alleles (0.00014%); highest among the groups gnomAD compares: Admixed American, 0.0037%; no homozygotes.

Submissions (3):

Labcorp Genetics (formerly Invitae), Labcorp
Classification: Uncertain significance for Multiple endocrine neoplasia, type 1. Last evaluated: 2026-01-04. Review status: criteria provided, single submitter. Criteria: Invitae Variant Classification Sherloc (09022015). Collection method: clinical testing. Allele origin: germline.
Comment: This sequence change replaces alanine, which is neutral and non-polar, with threonine, which is neutral and polar, at codon 6 of the MEN1 protein (p.Ala6Thr). This variant is not present in population databases (gnomAD no frequency). This variant has not been reported in the literature in individuals affected with MEN1-related conditions. ClinVar contains an entry for this variant (Variation ID: 819872). Invitae Evidence Modeling of protein sequence and biophysical properties (such as structural, functional, and spatial information, amino acid conservation, physicochemical variation, residue mobility, and thermodynamic stability) indicates that this missense variant is not expected to disrupt MEN1 protein function with a negative predictive value of 95%. In summary, the available evidence is currently insufficient to determine the role of this variant in disease. Therefore, it has been classified as a Variant of Uncertain Significance.

Ambry Genetics
Classification: Uncertain significance for Hereditary cancer-predisposing syndrome. Last evaluated: 2025-10-09. Review status: criteria provided, single submitter. Criteria: Ambry Variant Classification Scheme 2023. Collection method: clinical testing. Allele origin: germline.
Comment: The p.A6T variant (also known as c.16G>A), located in coding exon 1 of the MEN1 gene, results from a G to A substitution at nucleotide position 16. The alanine at codon 6 is replaced by threonine, an amino acid with similar properties. This amino acid position is well conserved in available vertebrate species. In addition, the in silico prediction for this alteration is inconclusive. Based on the available evidence, the clinical significance of this variant remains unclear.

All of Us Research Program, National Institutes of Health
Classification: Uncertain significance for Multiple endocrine neoplasia, type 1. Last evaluated: 2023-08-23. Review status: criteria provided, single submitter. Criteria: ACMG Guidelines, 2015. Collection method: clinical testing. Allele origin: germline. Inheritance: Autosomal dominant inheritance. Observed: 1 variant allele, 1 heterozygote.
Comment: This missense variant replaces alanine with threonine at codon 6 of the MEN1 protein. Computational prediction suggests that this variant may not impact protein structure and function (internally defined REVEL score threshold <= 0.5, PMID: 27666373). To our knowledge, functional studies have not been reported for this variant. This variant has not been reported in individuals affected with MEN1-related disorders in the literature. This variant has not been identified in the general population by the Genome Aggregation Database (gnomAD). The available evidence is insufficient to determine the role of this variant in disease conclusively. Therefore, this variant is classified as a Variant of Uncertain Significance.

This study involves interpretation of variants in research participants for the purpose of population health screening. Participant phenotype was not available at the time of variant classification. Additional details can be found in publication PMID: 35346344, PMCID: PMC8962531

NM_001370259.2(MEN1):c.16G>A (p.Ala6Thr)

Gene: MEN1 (menin 1; minus strand). Cytogenetic location: 11q13.1.
Variant type: single nucleotide variant.
Coding change: c.16G>A on transcript NM_001370259.2 (MANE Select); coding-DNA position 16, G replaced by A.
Protein change: p.Ala6Thr; replaces alanine 6 with threonine.
Molecular consequence: missense variant.
Genome position (GRCh38, 1-based): chr11:64,810,094, C>T on the plus strand (G>A on the coding strand, the complement: MEN1 is on the minus strand). VCF-style: chr11-64810094-C-T. GRCh37 (hg19) VCF-style: chr11-64577566-C-T.
Other names: c.16G>A, p.Ala6Thr (NM_000244.4, NM_001370251.2, NM_001370260.2 and 9 more transcripts); short protein forms A6T.
Identifiers: ClinVar variation 819872 (VCV000819872.14), dbSNP rs966793401, ClinGen allele CA381188308.